The following is an entry in ClinVar:

ClinVar aggregate classification (germline): Likely benign. Review status: criteria provided, multiple submitters, no conflicts (2 of 4 stars). 3 submissions from 3 submitters: Likely benign (2). 1 of the submissions does not count toward it. Last evaluated 2025-01-27.

Conditions:
CAD-related disorder. Also called: CAD-related condition.

Allele frequency attached by ClinVar (database versions not stated): gnomAD 0.00003; gnomAD exomes 0.00003 and 0.00004; TOPMed 0.00003; ExAC 0.00006.
gnomAD v4.1: 47 of 1,614,050 alleles (0.0029%); highest among the groups gnomAD compares: Middle Eastern, 0.016%; no homozygotes.

Submissions (3):

Labcorp Genetics (formerly Invitae), Labcorp
Classification: Likely benign. Last evaluated: 2025-01-27. Review status: criteria provided, single submitter. Criteria: Invitae Variant Classification Sherloc (09022015). Collection method: clinical testing. Allele origin: germline.

Blueprint Genetics
Classification: Likely benign. Last evaluated: 2022-12-20. Review status: criteria provided, single submitter. Criteria: ACMG Guidelines, 2015. Collection method: clinical testing. Allele origin: germline.

PreventionGenetics, part of Exact Sciences
Classification: Likely benign for CAD-related condition. Last evaluated: 2022-10-10. Review status: no assertion criteria provided. Collection method: clinical testing. Allele origin: germline. Not counted in ClinVar's aggregate classification.
Comment: This variant is classified as likely benign based on ACMG/AMP sequence variant interpretation guidelines (Richards et al. 2015 PMID: 25741868, with internal and published modifications).

NM_004341.5(CAD):c.1917A>C (p.Thr639=)

Gene: CAD (carbamoyl-phosphate synthetase 2, aspartate transcarbamylase, and dihydroorotase; plus strand). Cytogenetic location: 2p23.3.
Variant type: single nucleotide variant.
Coding change: c.1917A>C on transcript NM_004341.5 (MANE Select); coding-DNA position 1917, A replaced by C.
Protein change: p.Thr639=; no amino-acid change (threonine 639 retained).
Molecular consequence: synonymous variant. On other transcripts: intron variant (1).
Genome position (GRCh38, 1-based): chr2:27,226,205, A>C. VCF-style: chr2-27226205-A-C. GRCh37 (hg19) VCF-style: chr2-27449073-A-C.
Other names: c.1917A>C (NM_004341.4); c.1842+279A>C (NM_001306079.2).
Identifiers: ClinVar variation 1638720 (VCV001638720.11), dbSNP rs753824069, ClinGen allele CA1572866.